The following is an entry in ClinVar:

NM_000198.4(HSD3B2):c.568T>C (p.Tyr190His)

Gene: HSD3B2 (hydroxy-delta-5-steroid dehydrogenase, 3 beta- and steroid delta-isomerase 2; plus strand). Cytogenetic location: 1p12.
Variant type: single nucleotide variant.
Coding change: c.568T>C on transcript NM_000198.4 (MANE Select); coding-DNA position 568, T replaced by C.
Protein change: p.Tyr190His; replaces tyrosine 190 with histidine.
Molecular consequence: missense variant.
Genome position (GRCh38, 1-based): chr1:119,422,069, T>C. VCF-style: chr1-119422069-T-C. GRCh37 (hg19) VCF-style: chr1-119964692-T-C.
Other names: c.568T>C, p.Tyr190His (NM_001166120.2); short protein forms Y190H.
Identifiers: ClinVar variation 1312395 (VCV001312395.2), dbSNP rs754126326, ClinGen allele CA1035996.
Genomic context (GRCh38, chr1:119,422,069, plus strand): 5'-GGGTGGAATCTAAAAAATGGTGATACCTTGTACACTTGTGCGTTAAGACCCACATATATC[T>C]ATGGGGAAGGAGGCCCATTCCTTTCTGCCAGTATAAATGAGGCCCTGAACAACAATGGGA-3'
Protein context (NP_000189.1, residues 180-200): YTCALRPTYI[Tyr190His]GEGGPFLSAS

ClinVar aggregate classification (germline): Uncertain significance (1 of 4 stars; one submission).

Allele frequency attached by ClinVar (database versions not stated): gnomAD exomes below 0.00001; ExAC 0.00001; gnomAD 0.00001; TOPMed 0.00002.

Submission:

GeneDx
Classification: Uncertain significance. Last evaluated: 2019-10-15. Review status: criteria provided, single submitter. Criteria: GeneDx Variant Classification Process June 2021. Collection method: clinical testing. Allele origin: germline. Affected: yes.
Comment: In silico analysis, which includes protein predictors and evolutionary conservation, supports a deleterious effect; Has not been previously published as pathogenic or benign to our knowledge